The following is an entry in ClinVar:

NC_000003.11:g.(?_4403828)_(4562798_?)dup

Genes: ITPR1 (inositol 1,4,5-trisphosphate receptor type 1; plus strand), SUMF1 (sulfatase modifying factor 1; minus strand). Cytogenetic location: 3p26.1.
Variant type: Duplication.
Identifiers: ClinVar variation 3246852 (VCV003246852.1).

ClinVar aggregate classification (germline): Uncertain significance (1 of 4 stars; one submission).

Conditions:
Multiple sulfatase deficiency (MSD). Also called: Mucosulfatidosis; Multiple Sulfatase Deficiency Disease; Sulfatidosis, Juvenile, Austin Type. Identifiers: Orphanet 585, MedGen C0268263, MONDO:0010088, OMIM 272200.

Submission:

Labcorp Genetics (formerly Invitae), Labcorp
Classification: Uncertain significance for Multiple sulfatase deficiency. Last evaluated: 2024-01-27. Review status: criteria provided, single submitter. Criteria: Invitae Variant Classification Sherloc (09022015). Collection method: clinical testing. Allele origin: unknown.
Comment: A copy number gain of the genomic region encompassing the full coding sequence of the SUMF1 gene has been identified. The boundaries of this event are unknown as they extend beyond the assayed region for this gene and therefore may encompass additional genes. As the precise location of this event is unknown, it may be in tandem or it may be located elsewhere in the genome. This variant has not been reported in the literature in individuals affected with SUMF1-related conditions. In summary, the available evidence is currently insufficient to determine the role of this variant in disease. Therefore, it has been classified as a Variant of Uncertain Significance.